The following is an entry in ClinVar:

ClinVar aggregate classification (germline): Benign/Likely benign. Review status: criteria provided, multiple submitters, no conflicts (2 of 4 stars). 2 submissions from 2 submitters: Benign (1); Likely benign (1). Last evaluated 2026-07-02.

Conditions:
Sessile serrated polyposis cancer syndrome (SSPCS). Identifiers: Orphanet 157798, MedGen C4310714, MONDO:0014919, OMIM 617108.

gnomAD v4.1: 1 of 1,614,080 alleles (0.000062%); highest among the groups gnomAD compares: African/African-American, 0.0013%; no homozygotes.

Submissions (2):

Myriad Genetics, Inc.
Classification: Benign for Sessile serrated polyposis cancer syndrome. Last evaluated: 2026-07-02. Review status: criteria provided, single submitter. Criteria: Myriad Autosomal Dominant, Autosomal Recessive and X-Linked Classification Criteria (2023). Collection method: clinical testing. Allele origin: unknown.
Comment: This variant is considered benign. This variant is a silent/synonymous amino acid change and it is not expected to impact splicing.

Ambry Genetics
Classification: Likely benign. Last evaluated: 2025-12-08. Review status: criteria provided, single submitter. Criteria: Ambry Variant Classification Scheme 2023. Collection method: clinical testing. Allele origin: germline.

NM_017763.6(RNF43):c.1923C>T (p.Asn641=)

Gene: RNF43 (ring finger protein 43; minus strand). Cytogenetic location: 17q22.
Variant type: single nucleotide variant.
Coding change: c.1923C>T on transcript NM_017763.6 (MANE Select); coding-DNA position 1923, C replaced by T.
Protein change: p.Asn641=; no amino-acid change (asparagine 641 retained).
Molecular consequence: synonymous variant.
Genome position (GRCh38, 1-based): chr17:58,357,853, G>A on the plus strand (C>T on the coding strand, the complement: RNF43 is on the minus strand). VCF-style: chr17-58357853-G-A. GRCh37 (hg19) VCF-style: chr17-56435214-G-A.
Other names: c.1923C>T, p.Asn641= (NM_001305544.3, NM_001438820.1, NM_001438821.1 and 1 more transcripts); c.1542C>T, p.Asn514= (NM_001305545.2, NM_001437987.1).
Identifiers: ClinVar variation 4579016 (VCV004579016.2).